The following is an entry in ClinVar:

NM_001258392.3(CLPB):c.788del (p.Leu263fs)

Gene: CLPB (ClpB family mitochondrial disaggregase; minus strand). Cytogenetic location: 11q13.4.
Variant type: Deletion.
Coding change: c.788del on transcript NM_001258392.3 (MANE Select); coding-DNA position 788, one base deleted (T; older notation c.788delT).
Protein change: p.Leu263fs; shifts the reading frame from leucine 263.
Molecular consequence: frameshift variant.
Genome position (GRCh38, 1-based): chr11:72,329,792, A deleted on the plus strand (T on the coding strand, the reverse complement: CLPB is on the minus strand). VCF-style (leftmost placement, unchanged base first): chr11-72329791-CA-C. GRCh37 (hg19) VCF-style: chr11-72040835-CA-C.
Other names: c.701del, p.Leu234fs (NM_001258393.3); c.743del, p.Leu248fs (NM_001258394.3); c.878del, p.Leu293fs (NM_030813.6); short protein forms L234fs, L248fs, L263fs, L293fs.
Identifiers: ClinVar variation 4731503 (VCV004731503.1).
Genomic context (GRCh38, chr11:72,329,791, plus strand): 5'-CTTCATCACTTCCCCTTCTCGGGCATAATCCAAGGGTGTGTGTCCCATTTCATTCCTCTG[CA>C]GGGGGTTGGCTCCTGGCAAGAGAAGAAGGATAAACAGAGGCTCTATGAACGATCAGTGGG-3'

ClinVar aggregate classification (germline): Pathogenic (1 of 4 stars; one submission).

Conditions:
3-methylglutaconic aciduria, type VIIB (MGCA7B). Also called: CLPB Deficiency; 3-methylglutaconic aciduria, type VII, with cataracts, neurologic involvement and neutropenia; 3-methylglutaconic aciduria with cataracts, neurologic involvement and neutropenia. Identifiers: Orphanet 445038, MedGen C5676893, MONDO:0014561, OMIM 616271.

Submission:

Labcorp Genetics (formerly Invitae), Labcorp
Classification: Pathogenic for 3-methylglutaconic aciduria, type VIIB. Last evaluated: 2025-11-21. Review status: criteria provided, single submitter. Criteria: Invitae Variant Classification Sherloc (09022015). Collection method: clinical testing. Allele origin: germline.
Comment: This sequence change creates a premature translational stop signal (p.Leu293Argfs*19) in the CLPB gene. It is expected to result in an absent or disrupted protein product. Loss-of-function variants in CLPB are known to be pathogenic (PMID: 25597510, 28687938). This variant is not present in population databases (gnomAD no frequency). This variant has not been reported in the literature in individuals affected with CLPB-related conditions. For these reasons, this variant has been classified as Pathogenic.

Literature cited by the submitters: PubMed 25597510; PubMed 28687938.